The following is an entry in ClinVar:

NM_000043.6(FAS):c.158A>G (p.His53Arg)

Gene: FAS (Fas cell surface death receptor; plus strand). Cytogenetic location: 10q23.31.
Variant type: single nucleotide variant.
Coding change: c.158A>G on transcript NM_000043.6 (MANE Select); coding-DNA position 158, A replaced by G.
Protein change: p.His53Arg; replaces histidine 53 with arginine.
Molecular consequence: missense variant. On other transcripts: non-coding transcript variant (7).
Genome position (GRCh38, 1-based): chr10:89,003,156, A>G. VCF-style: chr10-89003156-A-G. GRCh37 (hg19) VCF-style: chr10-90762913-A-G.
Other names: c.158A>G, p.His53Arg (NM_001320619.2, NM_152871.4, NM_152872.4); c.203A>G, p.His68Arg (NM_001410956.1); short protein forms H53R, H68R.
Identifiers: ClinVar variation 4745943 (VCV004745943.1).

ClinVar aggregate classification (germline): Uncertain significance (1 of 4 stars; one submission).

Conditions:
Autoimmune lymphoproliferative syndrome type 1. Also called: AUTOIMMUNE LYMPHOPROLIFERATIVE SYNDROME, TYPE I, AUTOSOMAL DOMINANT. Identifiers: Orphanet 3261, MedGen C2717884, MONDO:0011158, OMIM 601859.

gnomAD v4.1: 4 of 1,614,204 alleles (0.00025%); highest among the groups gnomAD compares: African/African-American, 0.004%; no homozygotes.

Submission:

Labcorp Genetics (formerly Invitae), Labcorp
Classification: Uncertain significance for Autoimmune lymphoproliferative syndrome. Last evaluated: 2025-08-13. Review status: criteria provided, single submitter. Criteria: Invitae Variant Classification Sherloc (09022015). Collection method: clinical testing. Allele origin: germline.
Comment: This sequence change replaces histidine, which is basic and polar, with arginine, which is basic and polar, at codon 53 of the FAS protein (p.His53Arg). This variant is present in population databases (rs774178288, gnomAD 0.007%). This variant has not been reported in the literature in individuals affected with FAS-related conditions. Invitae Evidence Modeling of protein sequence and biophysical properties (such as structural, functional, and spatial information, amino acid conservation, physicochemical variation, residue mobility, and thermodynamic stability) has been performed for this missense variant. However, the output from this modeling did not meet the statistical confidence thresholds required to predict the impact of this variant on FAS protein function. In summary, the available evidence is currently insufficient to determine the role of this variant in disease. Therefore, it has been classified as a Variant of Uncertain Significance.